The following is an entry in ClinVar:

NC_000002.11:g.(?_169780132)_(169780352_?)del

Gene: ABCB11 (ATP binding cassette subfamily B member 11; minus strand). Cytogenetic location: 2q31.1.
Variant type: Deletion.
Identifiers: ClinVar variation 3247514 (VCV003247514.1).

ClinVar aggregate classification (germline): Pathogenic (1 of 4 stars; one submission).

Submission:

Labcorp Genetics (formerly Invitae), Labcorp
Classification: Pathogenic. Last evaluated: 2024-01-11. Review status: criteria provided, single submitter. Criteria: Invitae Variant Classification Sherloc (09022015). Collection method: clinical testing. Allele origin: unknown.
Comment: This variant is a gross deletion of the genomic region encompassing exon(s) 28 of the ABCB11 gene, which includes the termination codon. This deletion extends beyond the assayed region for this gene and therefore may encompass additional genes. While this deletion is not anticipated to lead to nonsense mediated decay, it is expected to alter mRNA translation or result in a truncated protein product. This variant has not been reported in the literature in individuals affected with ABCB11-related conditions. This variant disrupts a region of the ABCB11 protein in which other variant(s) ( p.Glu1302*) have been determined to be pathogenic (PMID: 18395098, 31015375). This suggests that this is a clinically significant region of the protein, and that variants that disrupt it are likely to be disease-causing. For these reasons, this variant has been classified as Pathogenic.

Literature cited by the submitters: PubMed 18395098; PubMed 31015375.